The following is an entry in ClinVar:

ClinVar aggregate classification (germline): Likely benign (1 of 4 stars; one submission).

Allele frequency attached by ClinVar (database versions not stated): gnomAD exomes 0.00023; gnomAD 0.00025; ExAC 0.00175; ESP Exome Variant Server 0.00537; 1000 Genomes Project 0.00559.
gnomAD v4.1: 279 of 1,136,164 alleles (0.025%); highest among the groups gnomAD compares: African/African-American, 0.55%; 4 homozygotes.

Submission:

CeGaT Center for Human Genetics Tuebingen
Classification: Likely benign. Last evaluated: 2025-11-01. Review status: criteria provided, single submitter. Criteria: CeGaT Center For Human Genetics Tuebingen Variant Classification Criteria Version 2. Collection method: clinical testing. Allele origin: germline. Affected: yes. Observed: 3 variant alleles.
Comment: FMN2: BS2

NM_020066.5(FMN2):c.3350G>T (p.Gly1117Val)

Gene: FMN2 (formin 2; plus strand). Cytogenetic location: 1q43.
Variant type: single nucleotide variant.
Coding change: c.3350G>T on transcript NM_020066.5 (MANE Select); coding-DNA position 3350, G replaced by T.
Protein change: p.Gly1117Val; replaces glycine 1117 with valine.
Molecular consequence: missense variant. On other transcripts: intron variant (1).
Genome position (GRCh38, 1-based): chr1:240,208,162, G>T. VCF-style: chr1-240208162-G-T. GRCh37 (hg19) VCF-style: chr1-240371462-G-T.
Other names: c.3362G>T, p.Gly1121Val (NM_001305424.2); c.1986+19900G>T (NM_001348094.2); short protein forms G1117V, G1121V.
Identifiers: ClinVar variation 2640185 (VCV002640185.24), dbSNP rs199702261, ClinGen allele CA1477117.